The following is an entry in ClinVar:

ClinVar aggregate classification (germline): Uncertain significance (1 of 4 stars; one submission).

Conditions:
Congenital muscular dystrophy due to integrin alpha-7 deficiency. Also called: MYOPATHY, CONGENITAL, DUE TO INTEGRIN ALPHA-7 DEFICIENCY; Congenital muscular dystrophy with integrin alpha-7 deficiency; Muscular dystrophy, congenital, due to ITGA7 deficiency. Identifiers: Orphanet 34520, MedGen C2750786, MONDO:0013177, OMIM 613204.

Submission:

Labcorp Genetics (formerly Invitae), Labcorp
Classification: Uncertain significance for Congenital muscular dystrophy due to integrin alpha-7 deficiency. Last evaluated: 2023-11-27. Review status: criteria provided, single submitter. Criteria: Invitae Variant Classification Sherloc (09022015). Collection method: clinical testing. Allele origin: germline.
Comment: This sequence change replaces glutamic acid, which is acidic and polar, with lysine, which is basic and polar, at codon 580 of the ITGA7 protein (p.Glu580Lys). The frequency data for this variant in the population databases is considered unreliable, as metrics indicate poor data quality at this position in the gnomAD database. This variant has not been reported in the literature in individuals affected with ITGA7-related conditions. ClinVar contains an entry for this variant (Variation ID: 1482713). An algorithm developed to predict the effect of missense changes on protein structure and function (PolyPhen-2) suggests that this variant is likely to be disruptive. Algorithms developed to predict the effect of sequence changes on RNA splicing suggest that this variant may disrupt the consensus splice site. In summary, the available evidence is currently insufficient to determine the role of this variant in disease. Therefore, it has been classified as a Variant of Uncertain Significance.

NM_002206.3(ITGA7):c.1738G>A (p.Glu580Lys)

Gene: ITGA7 (integrin subunit alpha 7; minus strand). Cytogenetic location: 12q13.2.
Variant type: single nucleotide variant.
Coding change: c.1738G>A on transcript NM_002206.3 (MANE Select); coding-DNA position 1738, G replaced by A.
Protein change: p.Glu580Lys; replaces glutamic acid 580 with lysine.
Molecular consequence: missense variant.
Genome position (GRCh38, 1-based): chr12:55,696,432, C>T on the plus strand (G>A on the coding strand, the complement: ITGA7 is on the minus strand). VCF-style: chr12-55696432-C-T. GRCh37 (hg19) VCF-style: chr12-56090216-C-T.
Other names: c.1750G>A, p.Glu584Lys (NM_001144996.2); c.1459G>A, p.Glu487Lys (NM_001144997.2); c.1411G>A, p.Glu471Lys (NM_001367993.1); c.394G>A, p.Glu132Lys (NM_001367994.1); c.1720G>A, p.Glu574Lys (NM_001374465.1); c.1870G>A, p.Glu624Lys (NM_001410977.1); c.1732G>A, p.Glu578Lys (NM_001414029.1); c.1663G>A, p.Glu555Lys (NM_001414030.1); and 5 more; short protein forms E584K, E471K, E574K, E132K, E487K, E580K, E624K, E467K.
Identifiers: ClinVar variation 1482713 (VCV001482713.8), dbSNP rs1338513420, ClinGen allele CA385187785.